The following is an entry in ClinVar:

ClinVar aggregate classification (germline): Likely benign. Review status: criteria provided, single submitter (1 of 4 stars). 4 submissions from 4 submitters: Likely benign (1). 3 of the submissions do not count toward it. Last evaluated 2022-08-01.

Conditions:
IGSF1-related disorder. Also called: IGSF1-related condition.

Allele frequency attached by ClinVar (database versions not stated): gnomAD exomes 0.00011 and 0.00021; ExAC 0.00026.
gnomAD v4.1: 138 of 1,209,347 alleles (0.011%); highest among the groups gnomAD compares: Admixed American, 0.079%; no homozygotes.

Submissions (4):

CeGaT Center for Human Genetics Tuebingen
Classification: Likely benign. Last evaluated: 2022-08-01. Review status: criteria provided, single submitter. Criteria: CeGaT Center For Human Genetics Tuebingen Variant Classification Criteria Version 2. Collection method: clinical testing. Allele origin: germline. Affected: yes. Observed: 1 variant allele.
Comment: IGSF1: BP4, BP7

PreventionGenetics, part of Exact Sciences
Classification: Likely benign for IGSF1-related condition. Last evaluated: 2019-02-21. Review status: no assertion criteria provided. Collection method: clinical testing. Allele origin: germline. Not counted in ClinVar's aggregate classification.
Comment: This variant is classified as likely benign based on ACMG/AMP sequence variant interpretation guidelines (Richards et al. 2015 PMID: 25741868, with internal and published modifications).

Clinical Genetics DNA and cytogenetics Diagnostics Lab, Erasmus MC, Erasmus Medical Center
Classification: Likely benign. Review status: no assertion criteria provided. Collection method: clinical testing. Allele origin: germline. Affected: yes. Study: VKGL Data-share Consensus. Not counted in ClinVar's aggregate classification.

Clinical Genetics, Academic Medical Center
Classification: Benign. Review status: no assertion criteria provided. Collection method: clinical testing. Allele origin: germline. Affected: yes. Study: VKGL Data-share Consensus. Not counted in ClinVar's aggregate classification.

NM_001555.5(IGSF1):c.1812G>A (p.Pro604=)

Gene: IGSF1 (immunoglobulin superfamily member 1; minus strand). Cytogenetic location: Xq26.1.
Variant type: single nucleotide variant.
Coding change: c.1812G>A on transcript NM_001555.5 (MANE Select); coding-DNA position 1812, G replaced by A.
Protein change: p.Pro604=; no amino-acid change (proline 604 retained).
Molecular consequence: synonymous variant.
Genome position (GRCh38, 1-based): chrX:131,278,690, C>T on the plus strand (G>A on the coding strand, the complement: IGSF1 is on the minus strand). VCF-style: chrX-131278690-C-T. GRCh37 (hg19) VCF-style: chrX-130412664-C-T.
Other names: c.1827G>A, p.Pro609= (NM_001170961.2); c.1785G>A, p.Pro595= (NM_001170962.2); c.1827G>A (NM_001170961.1).
Identifiers: ClinVar variation 1328073 (VCV001328073.28), dbSNP rs780114018, ClinGen allele CA10517889.